The following is an entry in ClinVar:

NM_007194.4(CHEK2):c.556A>C (p.Asn186His)

Gene: CHEK2 (checkpoint kinase 2; minus strand). Cytogenetic location: 22q12.1.
Variant type: single nucleotide variant.
Coding change: c.556A>C on transcript NM_007194.4 (MANE Select); coding-DNA position 556, A replaced by C.
Protein change: p.Asn186His; replaces asparagine 186 with histidine.
Molecular consequence: missense variant. On other transcripts: 5 prime UTR variant (2), intron variant (1).
Genome position (GRCh38, 1-based): chr22:28,725,013, T>G on the plus strand (A>C on the coding strand, the complement: CHEK2 is on the minus strand). VCF-style: chr22-28725013-T-G. GRCh37 (hg19) VCF-style: chr22-29121001-T-G.
Other names: p.N186H:AAT>CAT; NP_009125.1:p.Asn186His; c.685A>C, p.Asn229His (NM_001005735.3, NM_001438294.1); c.-222A>C (NM_001257387.3); c.-108A>C (NM_001437942.1); c.649A>C, p.Asn217His (NM_001438293.1, NM_001438295.1); c.556A>C, p.Asn186His (NM_145862.3); c.445-90A>C (NM_001349956.3); short protein forms N186H, N229H, N217H.
Identifiers: ClinVar variation 141977 (VCV000141977.82), dbSNP rs146198085, ClinGen allele CA294225.

ClinVar aggregate classification (germline): Conflicting classifications of pathogenicity. Review status: criteria provided, conflicting classifications (1 of 4 stars). 26 submissions from 26 submitters: Uncertain significance (14); Likely benign (3). 9 of the submissions do not count toward it. Last evaluated 2026-06-01.

Conditions:
CHEK2-related disorder.
Predisposition to cancer.
Familial cancer of breast. Also called: Hereditary breast cancer; hereditary breast carcinoma; BREAST CANCER, FAMILIAL. Identifiers: Orphanet 227535, MedGen C0346153, MONDO:0016419, OMIM 114480. Disease mechanism: loss of function.
CHEK2-related cancer predisposition (TPDS4). Also called: TUMOR PREDISPOSITION SYNDROME 4; CANCER PREDISPOSITION SYNDROME, CHEK2-RELATED; CHEK2-related cancer susceptibility. Identifiers: Orphanet 524, MedGen C5882668, MONDO:0700271, OMIM 609265.
Bone osteosarcoma. Also called: Osteosarcoma, somatic. Identifiers: Orphanet 668, MedGen C0585442, MONDO:0002629, OMIM 259500.
Prostate cancer. Also called: Malignant tumor of prostate. Identifiers: Orphanet 1331, MedGen C0376358, MONDO:0008315, HP:0012125.
Hereditary cancer-predisposing syndrome. Also called: Tumor predisposition; Hereditary neoplastic syndrome; Hereditary Cancer Syndrome; Neoplastic Syndromes, Hereditary. Identifiers: Orphanet 140162, MedGen C0027672, MeSH D009386, MONDO:0015356.
Hereditary breast ovarian cancer syndrome. Also called: Hereditary breast and ovarian cancer; Hereditary breast and/or ovarian cancer syndrome; BRCA1- and BRCA2-Associated Hereditary Breast and Ovarian Cancer; Hereditary breast and ovarian cancer syndrome (HBOC); Hereditary breast and ovarian cancer syndrome; Breast and ovarian cancer. Identifiers: Orphanet 145, MedGen C0677776, MeSH D061325, MONDO:0003582. Disease mechanism: loss of function.
Endometrial carcinoma. Also called: Endometrial carcinoma, somatic. Identifiers: MedGen C0476089, MONDO:0002447, OMIM 608089, HP:0012114.

Allele frequency attached by ClinVar (database versions not stated): gnomAD exomes 0.00006 and 0.00015; TOPMed 0.00006; ExAC 0.00007; ESP Exome Variant Server 0.00008; gnomAD 0.00009.
gnomAD v4.1: 233 of 1,613,946 alleles (0.014%); highest among the groups gnomAD compares: Non-Finnish European, 0.019%; no homozygotes.

Submissions 1 to 8 of 26:

CeGaT Center for Human Genetics Tuebingen
Classification: Likely benign. Last evaluated: 2026-06-01. Review status: criteria provided, single submitter. Criteria: CeGaT Center For Human Genetics Tuebingen Variant Classification Criteria Version 2. Collection method: clinical testing. Allele origin: germline. Affected: yes. Observed: 2 variant alleles.
Comment: CHEK2: BS3:Supporting

Labcorp Genetics (formerly Invitae), Labcorp
Classification: Uncertain significance for Familial cancer of breast. Last evaluated: 2026-01-27. Review status: criteria provided, single submitter. Criteria: Invitae Variant Classification Sherloc (09022015). Collection method: clinical testing. Allele origin: germline.
Comment: This sequence change replaces asparagine, which is neutral and polar, with histidine, which is basic and polar, at codon 186 of the CHEK2 protein (p.Asn186His). This variant is present in population databases (rs146198085, gnomAD 0.01%). This missense change has been observed in individual(s) with breast cancer and/or pleomorphic xanthoastrocytoma and meningioma (PMID: 26094658, 30303537, 30374176, 32383162, 34903604). This variant is also known as c.685T>G (p.Asn229His). ClinVar contains an entry for this variant (Variation ID: 141977). An algorithm developed to predict the effect of missense changes on protein structure and function (PolyPhen-2) suggests that this variant is likely to be disruptive. Experimental studies have shown that this missense change does not substantially affect CHEK2 function (PMID: 30851065, 34903604). In summary, the available evidence is currently insufficient to determine the role of this variant in disease. Therefore, it has been classified as a Variant of Uncertain Significance.

Center for Genomic Medicine, Rigshospitalet, Copenhagen University Hospital
Classification: Uncertain significance. Last evaluated: 2025-12-29. Review status: criteria provided, single submitter. Criteria: ACMG Guidelines, 2015. Collection method: clinical testing. Allele origin: germline.

GeneDx
Classification: Uncertain significance. Last evaluated: 2025-10-03. Review status: criteria provided, single submitter. Criteria: GeneDx Variant Classification Process June 2021. Collection method: clinical testing. Allele origin: germline. Affected: yes.
Comment: Not observed at significant frequency in large population cohorts (gnomAD); In silico analysis supports that this missense variant has a deleterious effect on protein structure/function; Identified in individuals with breast and other cancers as well as in controls, and segregation was incomplete in one breast cancer family (PMID: 25186627, 28779002, 30303537, 32383162, 32546565); Published functional studies suggest no damaging effect: no impact on kinase activity in a mouse ES cell-based system and growth rates similar to wild type following DNA damage in a yeast-based assay (PMID: 30851065, 34903604); This variant is associated with the following publications: (PMID: 26094658, 30303537, 28873162, 28825729, 28779002, 32383162, 30374176, 32546565, 34903604, 19782031, 22419737, 30851065, 25186627, 34326862, 35493704, 38651569, 37449874, 38378842, 39642869)

Quest Diagnostics Nichols Institute San Juan Capistrano
Classification: Uncertain significance. Last evaluated: 2025-06-09. Review status: criteria provided, single submitter. Criteria: Quest Diagnostics criteria. Collection method: clinical testing. Allele origin: unknown.
Comment: The CHEK2 c.556A>C (p.Asn186His) variant has been reported in the published literature in individuals affected with breast cancer (PMID: 25186627 (2015), 26094658 (2015) 28779002 (2017), 30303537 (2019), 32383162 (2020), 34326862 (2021), 37449874 (2023), 33471991 (2021), see also LOVD), pituitary adenoma (PMID: 38651569 (2024)), and reportedly unaffected individuals (PMID: 28779002 (2017), 37449874 (2023), 33471991 (2021), see also LOVD). Functional studies demonstrated that this variant had conflicting effects on protein function, showing growth rate comparable to WT in a yeast-based assay (PMID: 30851065 (2019)), KAP1 phosphorylation comparable to WT in mouse cells (PMID: 34903604 (2021)), impaired KAP1 phosphorylation and intermediate CHEK2 autophosphorylation in human cells (PMID: 37449874 (2023)), and considered damaging in a multiplexed yeast-based complementation assay (PMID: 39642869 (2024)). The frequency of this variant in the general population (Genome Aggregation Database) is uninformative in the assessment of its pathogenicity. Analysis of this variant using bioinformatics tools for the prediction of the effect of amino acid changes on protein structure and function yielded conflicting predictions that this variant is benign or damaging. Based on the available information, we are unable to determine the clinical significance of this variant.

Women's Health and Genetics/Laboratory Corporation of America, LabCorp
Classification: Uncertain significance. Last evaluated: 2025-02-24. Review status: criteria provided, single submitter. Criteria: LabCorp Variant Classification Summary - May 2015. Collection method: clinical testing. Allele origin: germline.
Comment: Variant summary: CHEK2 c.556A>C (p.Asn186His) results in a conservative amino acid change located in the Forkhead-associated (FHA) domain of the encoded protein sequence. Four of five in-silico tools predict a damaging effect of the variant on protein function. The variant allele was found at a frequency of 6e-05 in 251420 control chromosomes. This frequency is not significantly higher than estimated for a pathogenic variant in CHEK2 causing Hereditary Breast And Ovarian Cancer Syndrome (6e-05 vs 0.00031), allowing no conclusion about variant significance. c.556A>C has been reported in the literature in individuals affected with breast cancer (e.g. Aloraifi_2015, Tung_2015, Girard_2019, van der Merwe_2022). These report(s) do not provide unequivocal conclusions about association of the variant with Hereditary Breast And Ovarian Cancer Syndrome. At least two publications report experimental evidence evaluating an impact on protein function. One study showed no damaging effect of this variant in a yeast-based assay (Delimitsou_2019), while another showed reduced phosphorylation of KAP1 (Stolarova_2023). The following publications have been ascertained in the context of this evaluation (PMID: 26094658, 30851065, 38378842, 30303537, 37449874, 25186627, 36568162). ClinVar contains an entry for this variant (Variation ID: 141977). Based on the evidence outlined above, the variant was classified as uncertain significance.

German Consortium for Hereditary Breast and Ovarian Cancer, University Hospital Cologne
Classification: Uncertain significance for Hereditary breast ovarian cancer syndrome. Last evaluated: 2025-02-18. Review status: criteria provided, single submitter. Criteria: ACMG Guidelines, 2015. Collection method: curation. Allele origin: germline.

St. Jude Molecular Pathology, St. Jude Children's Research Hospital
Classification: Uncertain significance for Predisposition to cancer. Last evaluated: 2024-11-27. Review status: criteria provided, single submitter. Criteria: St. Jude Assertion Criteria 2020. Collection method: clinical testing. Allele origin: germline.
Comment: The CHEK2 c.556A>C (p.Asn186His) missense change has a maximum subpopulation frequency of 0.01% in gnomAD v2.1.1. The in silico tool REVEL predicts a deleterious effect on protein function, however a functional study suggests this variant does not impact protein function (PMID: 30851065). To our knowledge, this variant has not been reported as pathogenic in individuals with CHEK2-related tumors. In summary, the evidence currently available is insufficient to determine the clinical significance of this variant. It has therefore been classified as of uncertain significance.